The following is an entry in ClinVar:

ClinVar aggregate classification (germline): Pathogenic. Review status: reviewed by expert panel (3 of 4 stars). 2 submissions from 2 submitters: Pathogenic (1). 1 of the submissions does not count toward it. Last evaluated 2016-10-18.

Conditions:
Breast-ovarian cancer, familial, susceptibility to, 1 (BROVCA1). Also called: BRCA1 Hereditary Breast and Ovarian Cancer; OVARIAN CANCER, SUSCEPTIBILITY TO. Identifiers: Orphanet 145, MedGen C2676676, MONDO:0011450, OMIM 604370. Disease mechanism: loss of function.

Submissions (2):

Evidence-based Network for the Interpretation of Germline Mutant Alleles (ENIGMA)
Classification: Pathogenic for Breast-ovarian cancer, familial, susceptibility to, 1. Last evaluated: 2016-10-18. Review status: reviewed by expert panel. Criteria: ENIGMA BRCA1/2 Classification Criteria (2015). Collection method: curation. Allele origin: germline.
Comment: Variant allele predicted to encode a truncated non-functional protein.

Consortium of Investigators of Modifiers of BRCA1/2 (CIMBA), c/o University of Cambridge
Classification: Pathogenic for Breast-ovarian cancer, familial, susceptibility to, 1. Last evaluated: 2015-10-02. Review status: criteria provided, single submitter. Criteria: CIMBA Mutation Classification guidelines May 2016. Collection method: clinical testing. Allele origin: germline. Not counted in ClinVar's aggregate classification.

NM_007294.4(BRCA1):c.4375A>T (p.Lys1459Ter)

Gene: BRCA1 (BRCA1 DNA repair associated; minus strand). Cytogenetic location: 17q21.31.
Variant type: single nucleotide variant.
Coding change: c.4375A>T on transcript NM_007294.4 (MANE Select); coding-DNA position 4375, A replaced by T.
Protein change: p.Lys1459Ter; replaces lysine 1459 with a stop codon.
Molecular consequence: nonsense. On other transcripts: non-coding transcript variant (1).
Genome position (GRCh38, 1-based): chr17:43,076,597, T>A on the plus strand (A>T on the coding strand, the complement: BRCA1 is on the minus strand). VCF-style: chr17-43076597-T-A. GRCh37 (hg19) VCF-style: chr17-41228614-T-A.
Other names: 4494A>T Lys1459ter; c.4162A>T, p.Lys1388Ter (NM_001407571.1, NM_001407894.1, NM_001407895.1 and 12 more transcripts); c.4441A>T, p.Lys1481Ter (NM_001407581.1, NM_001407582.1); c.4438A>T, p.Lys1480Ter (NM_001407583.1, NM_001407585.1, NM_001407587.1 and 1 more transcripts); c.4435A>T, p.Lys1479Ter (NM_001407590.1, NM_001407591.1); c.4375A>T, p.Lys1459Ter (NM_001407593.1, NM_001407594.1, NM_001407596.1 and 8 more transcripts); c.4372A>T, p.Lys1458Ter (NM_001407610.1, NM_001407611.1, NM_001407622.1 and 17 more transcripts); c.4369A>T, p.Lys1457Ter (NM_001407627.1, NM_001407628.1, NM_001407629.1 and 14 more transcripts); and 69 more; short protein forms K1459*, K1412*, K355*, K1480*, K1330*, K1370*, K1416*, K1433*.
Identifiers: ClinVar variation 266473 (VCV000266473.7), dbSNP rs886040228, ClinGen allele CA10589666.